The following is an entry in ClinVar:

ClinVar aggregate classification (germline): Likely benign. Review status: reviewed by expert panel (3 of 4 stars). 2 submissions from 2 submitters: Likely benign (1). 1 of the submissions does not count toward it. Last evaluated 2017-06-29.

Conditions:
Hereditary cancer-predisposing syndrome. Also called: Tumor predisposition; Hereditary Cancer Syndrome; Hereditary neoplastic syndrome; Neoplastic Syndromes, Hereditary. Identifiers: Orphanet 140162, MedGen C0027672, MeSH D009386, MONDO:0015356.
Breast-ovarian cancer, familial, susceptibility to, 2 (BROVCA2). Also called: BRCA2 Hereditary Breast and Ovarian Cancer. Identifiers: Orphanet 145, MedGen C2675520, MONDO:0012933, OMIM 612555. Disease mechanism: loss of function.

Allele frequency attached by ClinVar (database versions not stated): gnomAD exomes below 0.00001.

Submissions (2):

Evidence-based Network for the Interpretation of Germline Mutant Alleles (ENIGMA)
Classification: Likely benign for Breast-ovarian cancer, familial, susceptibility to, 2. Last evaluated: 2017-06-29. Review status: reviewed by expert panel. Criteria: ENIGMA BRCA1/2 Classification Criteria (2017-06-29). Collection method: curation. Allele origin: germline.
Comment: Synonymous substitution variant, with low bioinformatic likelihood to result in a splicing aberration (Splicing prior probability 0.02).

Ambry Genetics
Classification: Likely benign for Hereditary cancer-predisposing syndrome. Last evaluated: 2015-08-11. Review status: criteria provided, single submitter. Criteria: Ambry Variant Classification Scheme 2023. Collection method: clinical testing. Allele origin: germline. Not counted in ClinVar's aggregate classification.

NM_000059.4(BRCA2):c.2181A>G (p.Ser727=)

Gene: BRCA2 (BRCA2 DNA repair associated; plus strand). Cytogenetic location: 13q13.1.
Variant type: single nucleotide variant.
Coding change: c.2181A>G on transcript NM_000059.4 (MANE Select); coding-DNA position 2181, A replaced by G.
Protein change: p.Ser727=; no amino-acid change (serine 727 retained).
Molecular consequence: synonymous variant.
Genome position (GRCh38, 1-based): chr13:32,336,536, A>G. VCF-style: chr13-32336536-A-G. GRCh37 (hg19) VCF-style: chr13-32910673-A-G.
Identifiers: ClinVar variation 233461 (VCV000233461.7), dbSNP rs876660424, ClinGen allele CA10579527.